The following is an entry in ClinVar:

ClinVar aggregate classification (germline): Conflicting classifications of pathogenicity. Review status: criteria provided, conflicting classifications (1 of 4 stars). 2 submissions from 2 submitters: Likely pathogenic (1); Uncertain significance (1). Last evaluated 2022-02-03.

Conditions:
Multiple endocrine neoplasia, type 1 (MEN1). Also called: MEN I; Endocrine adenomatosis multiple; MEN 1; WERMER SYNDROME; MEA I. Identifiers: Orphanet 652, MedGen C0025267, MeSH D018761, MONDO:0007540, OMIM 131100.

Allele frequency attached by ClinVar (database versions not stated): gnomAD exomes below 0.00001; ExAC 0.00001.
gnomAD v4.1: 3 of 1,614,200 alleles (0.00019%); highest among the groups gnomAD compares: Non-Finnish European, 0.00025%; no homozygotes.

Submissions (2):

Labcorp Genetics (formerly Invitae), Labcorp
Classification: Uncertain significance for Multiple endocrine neoplasia, type 1. Last evaluated: 2022-02-03. Review status: criteria provided, single submitter. Criteria: Invitae Variant Classification Sherloc (09022015). Collection method: clinical testing. Allele origin: germline.
Comment: This variant is present in population databases (rs747851909, gnomAD 0.0009%). This sequence change replaces aspartic acid, which is acidic and polar, with tyrosine, which is neutral and polar, at codon 315 of the MEN1 protein (p.Asp315Tyr). This missense change has been observed in individual(s) with clinical features of MEN1-related conditions (PMID: 15670192, 20231234; Invitae). In summary, the available evidence is currently insufficient to determine the role of this variant in disease. Therefore, it has been classified as a Variant of Uncertain Significance. Algorithms developed to predict the effect of sequence changes on RNA splicing suggest that this variant may create or strengthen a splice site. Algorithms developed to predict the effect of missense changes on protein structure and function are either unavailable or do not agree on the potential impact of this missense change (SIFT: "Deleterious"; PolyPhen-2: "Benign"; Align-GVGD: "Class C45"). ClinVar contains an entry for this variant (Variation ID: 429809). This variant is also known as c.1053G>T.

GeneDx
Classification: Likely pathogenic. Last evaluated: 2019-09-06. Review status: criteria provided, single submitter. Criteria: GeneDx Variant Classification Process June 2021. Collection method: clinical testing. Allele origin: germline. Affected: yes.
Comment: Not observed at a significant frequency in large population cohorts (Lek 2016); In silico analysis, which includes protein predictors and evolutionary conservation, supports a deleterious effect; This variant is associated with the following publications: (PMID: 15670192, 20231234)

Literature cited by the submitters: PubMed 15670192 (cited by Labcorp Genetics (formerly Invitae), Labcorp); PubMed 20231234 (cited by Labcorp Genetics (formerly Invitae), Labcorp).

NM_001370259.2(MEN1):c.943G>T (p.Asp315Tyr)

Gene: MEN1 (menin 1; minus strand). Cytogenetic location: 11q13.1.
Variant type: single nucleotide variant.
Coding change: c.943G>T on transcript NM_001370259.2 (MANE Select); coding-DNA position 943, G replaced by T.
Protein change: p.Asp315Tyr; replaces aspartic acid 315 with tyrosine.
Molecular consequence: missense variant.
Genome position (GRCh38, 1-based): chr11:64,806,338, C>A on the plus strand (G>T on the coding strand, the complement: MEN1 is on the minus strand). VCF-style: chr11-64806338-C-A. GRCh37 (hg19) VCF-style: chr11-64573810-C-A.
Other names: c.958G>T, p.Asp320Tyr (NM_000244.4, NM_130800.3, NM_130801.3 and 3 more transcripts); c.943G>T, p.Asp315Tyr (NM_001370251.2, NM_001370260.2, NM_001370261.2 and 1 more transcripts); c.838G>T, p.Asp280Tyr (NM_001370262.2, NM_001370263.2); short protein forms D315Y, D320Y, D280Y.
Identifiers: ClinVar variation 429809 (VCV000429809.11), dbSNP rs747851909, ClinGen allele CA061863.